The following is an entry in ClinVar:

NM_001792.5(CDH2):c.2586C>T (p.Gly862=)

Genes: CDH2 (cadherin 2; minus strand), CDH2-AS1 (CDH2 antisense RNA 1; plus strand). Cytogenetic location: 18q12.1.
Variant type: single nucleotide variant.
Coding change: c.2586C>T on transcript NM_001792.5 (MANE Select); coding-DNA position 2586, C replaced by T.
Protein change: p.Gly862=; no amino-acid change (glycine 862 retained).
Molecular consequence: synonymous variant.
Genome position (GRCh38, 1-based): chr18:27,952,288, G>A on the plus strand (C>T on the coding strand, the complement: CDH2 is on the minus strand). VCF-style: chr18-27952288-G-A. GRCh37 (hg19) VCF-style: chr18-25532252-G-A.
Other names: c.2586C>T (NM_001792.3); c.2493C>T, p.Gly831= (NM_001308176.2).
Identifiers: ClinVar variation 3696576 (VCV003696576.3).

ClinVar aggregate classification (germline): Conflicting classifications of pathogenicity. Review status: criteria provided, conflicting classifications (1 of 4 stars). 2 submissions from 2 submitters: Uncertain significance (1); Likely benign (1). Last evaluated 2025-05-18.

Conditions:
Inborn genetic diseases. Identifiers: MedGen C0950123, MeSH D030342.

gnomAD v4.1: 1 of 1,613,528 alleles (0.000062%); highest among the groups gnomAD compares: African/African-American, 0.0013%; no homozygotes.

Submissions (2):

Ambry Genetics
Classification: Likely benign for Inborn genetic diseases. Last evaluated: 2025-05-18. Review status: criteria provided, single submitter. Criteria: Ambry Variant Classification Scheme 2023. Collection method: clinical testing. Allele origin: germline.

Labcorp Genetics (formerly Invitae), Labcorp
Classification: Uncertain significance. Last evaluated: 2024-11-05. Review status: criteria provided, single submitter. Criteria: Invitae Variant Classification Sherloc (09022015). Collection method: clinical testing. Allele origin: germline.
Comment: This sequence change affects codon 862 of the CDH2 mRNA. It is a 'silent' change, meaning that it does not change the encoded amino acid sequence of the CDH2 protein. This variant is not present in population databases (gnomAD no frequency). This variant has not been reported in the literature in individuals affected with CDH2-related conditions. Algorithms developed to predict the effect of sequence changes on RNA splicing suggest that this variant may create or strengthen a splice site. In summary, the available evidence is currently insufficient to determine the role of this variant in disease. Therefore, it has been classified as a Variant of Uncertain Significance.